The following is an entry in ClinVar:

ClinVar aggregate classification (germline): Uncertain significance. Review status: criteria provided, multiple submitters, no conflicts (2 of 4 stars). 4 submissions from 4 submitters: Uncertain significance (4). Last evaluated 2024-05-21.

Conditions:
Spastic paraplegia. Identifiers: MedGen C0037772, HP:0001258.
Hereditary spastic paraplegia 15 (SPG15). Also called: KJELLIN SYNDROME; SPASTIC PARAPLEGIA 15, AUTOSOMAL RECESSIVE; SPASTIC PARAPLEGIA AND RETINAL DEGENERATION. Identifiers: Orphanet 100996, MedGen C1849128, MONDO:0010044, OMIM 270700.

Allele frequency attached by ClinVar (database versions not stated): gnomAD 0.00003 and 0.00004; ExAC 0.00004; gnomAD exomes 0.00004 and 0.00009; TOPMed 0.00004; ESP Exome Variant Server 0.00008.
gnomAD v4.1: 135 of 1,614,026 alleles (0.0084%); highest among the groups gnomAD compares: Non-Finnish European, 0.011%; no homozygotes.

Submissions (4):

Blueprint Genetics
Classification: Uncertain significance. Last evaluated: 2024-05-21. Review status: criteria provided, single submitter. Criteria: ACMG Guidelines, 2015. Collection method: clinical testing. Allele origin: germline.

Labcorp Genetics (formerly Invitae), Labcorp
Classification: Uncertain significance for Spastic paraplegia. Last evaluated: 2022-07-06. Review status: criteria provided, single submitter. Criteria: Invitae Variant Classification Sherloc (09022015). Collection method: clinical testing. Allele origin: germline.
Comment: This sequence change replaces glycine, which is neutral and non-polar, with aspartic acid, which is acidic and polar, at codon 276 of the ZFYVE26 protein (p.Gly276Asp). This variant is present in population databases (rs201273988, gnomAD 0.008%). This variant has not been reported in the literature in individuals affected with ZFYVE26-related conditions. ClinVar contains an entry for this variant (Variation ID: 313920). Algorithms developed to predict the effect of missense changes on protein structure and function are either unavailable or do not agree on the potential impact of this missense change (SIFT: "Tolerated"; PolyPhen-2: "Possibly Damaging"; Align-GVGD: "Class C0"). In summary, the available evidence is currently insufficient to determine the role of this variant in disease. Therefore, it has been classified as a Variant of Uncertain Significance.

GeneDx
Classification: Uncertain significance. Last evaluated: 2022-05-17. Review status: criteria provided, single submitter. Criteria: GeneDx Variant Classification Process June 2021. Collection method: clinical testing. Allele origin: germline. Affected: yes.
Comment: Not observed at significant frequency in large population cohorts (gnomAD); In silico analysis supports that this missense variant does not alter protein structure/function; Has not been previously published as pathogenic or benign to our knowledge

Illumina Laboratory Services, Illumina
Classification: Uncertain significance for Hereditary spastic paraplegia 15. Last evaluated: 2018-01-12. Review status: criteria provided, single submitter. Criteria: ICSL Variant Classification Criteria 13 December 2019. Collection method: clinical testing. Allele origin: germline.

NM_015346.4(ZFYVE26):c.827G>A (p.Gly276Asp)

Gene: ZFYVE26 (zinc finger FYVE-type containing 26; minus strand). Cytogenetic location: 14q24.1.
Variant type: single nucleotide variant.
Coding change: c.827G>A on transcript NM_015346.4 (MANE Select); coding-DNA position 827, G replaced by A.
Protein change: p.Gly276Asp; replaces glycine 276 with aspartic acid.
Molecular consequence: missense variant.
Genome position (GRCh38, 1-based): chr14:67,807,457, C>T on the plus strand (G>A on the coding strand, the complement: ZFYVE26 is on the minus strand). VCF-style: chr14-67807457-C-T. GRCh37 (hg19) VCF-style: chr14-68274174-C-T.
Other names: short protein forms G276D.
Identifiers: ClinVar variation 313920 (VCV000313920.9), dbSNP rs201273988, ClinGen allele CA7240692.